The following is an entry in ClinVar:

ClinVar aggregate classification (germline): Likely benign. Review status: criteria provided, multiple submitters, no conflicts (2 of 4 stars). 3 submissions from 3 submitters: Likely benign (2). 1 of the submissions does not count toward it. Last evaluated 2026-08-26.

Conditions:
RTEL1-related disorder. Also called: RTEL1-related disorders; RTEL1-related condition.
Inborn genetic diseases. Identifiers: MedGen C0950123, MeSH D030342.
Dyskeratosis congenita. Identifiers: Orphanet 1775, MedGen C0265965, MONDO:0015780.

gnomAD v4.1: 1 of 1,609,252 alleles (0.000062%); highest among the groups gnomAD compares: Admixed American, 0.0017%; no homozygotes.

Submissions (3):

PreventionGenetics, part of Exact Sciences
Classification: Likely benign for RTEL1-related condition. Last evaluated: 2026-08-26. Review status: criteria provided, single submitter. Criteria: ACMG Guidelines, 2015. Collection method: clinical testing. Allele origin: germline.
Comment: This variant is classified as likely benign based on ACMG/AMP sequence variant interpretation guidelines (Richards et al. 2015 PMID: 25741868, with internal and published modifications).

Ambry Genetics
Classification: Likely benign for Inborn genetic diseases. Last evaluated: 2025-02-08. Review status: criteria provided, single submitter. Criteria: Ambry Variant Classification Scheme 2023. Collection method: clinical testing. Allele origin: germline.

Natera, Inc.
Classification: Uncertain significance for Dyskeratosis congenita. Last evaluated: 2025-04-15. Review status: no assertion criteria provided. Collection method: clinical testing. Allele origin: germline. Not counted in ClinVar's aggregate classification.

NM_001283009.2(RTEL1):c.3072G>A (p.Gln1024=)

Genes: RTEL1 (regulator of telomere elongation helicase 1; plus strand), RTEL1-TNFRSF6B (RTEL1-TNFRSF6B readthrough (NMD candidate); plus strand). Cytogenetic location: 20q13.33.
Variant type: single nucleotide variant.
Coding change: c.3072G>A on transcript NM_001283009.2 (MANE Select); coding-DNA position 3072, G replaced by A.
Protein change: p.Gln1024=; no amino-acid change (glutamine 1024 retained).
Molecular consequence: synonymous variant. On other transcripts: non-coding transcript variant (1).
Genome position (GRCh38, 1-based): chr20:63,694,451, G>A. VCF-style: chr20-63694451-G-A. GRCh37 (hg19) VCF-style: chr20-62325804-G-A.
Other names: c.3144G>A (NM_032957.4); c.3072G>A (NM_001283009.1); c.2403G>A, p.Gln801= (NM_001283010.1); c.3072G>A, p.Gln1024= (NM_016434.4); c.3144G>A, p.Gln1048= (NM_032957.5).
Identifiers: ClinVar variation 3791127 (VCV003791127.3).